The following is an entry in ClinVar:

ClinVar aggregate classification (germline): Uncertain significance. Review status: criteria provided, multiple submitters, no conflicts (2 of 4 stars). 4 submissions from 4 submitters: Uncertain significance (3). 1 of the submissions does not count toward it. Last evaluated 2026-02-16.

Conditions:
HOXA2-related disorder. Also called: HOXA2-related condition.

Allele frequency attached by ClinVar (database versions not stated): gnomAD 0.00022; TOPMed 0.00026; ExAC 0.00027; ESP Exome Variant Server 0.00046.
gnomAD v4.1: 656 of 1,614,080 alleles (0.041%); highest among the groups gnomAD compares: Non-Finnish European, 0.052%; no homozygotes.

Submissions (4):

PreventionGenetics, part of Exact Sciences
Classification: Uncertain significance for HOXA2-related condition. Last evaluated: 2026-02-16. Review status: criteria provided, single submitter. Criteria: ACMG Guidelines, 2015. Collection method: clinical testing. Allele origin: germline.
Comment: The HOXA2 c.806C>T variant is predicted to result in the amino acid substitution p.Ser269Phe. To our knowledge, this variant has not been reported in the literature. This variant is reported in 0.041% of alleles in individuals of European (Non-Finnish) descent in gnomAD. Although we suspect that this variant may be benign, at this time, the clinical significance of this variant is uncertain due to the absence of conclusive functional and genetic evidence.

Mayo Clinic Laboratories, Mayo Clinic
Classification: Uncertain significance. Last evaluated: 2023-05-18. Review status: criteria provided, single submitter. Criteria: ACMG Guidelines, 2015. Collection method: clinical testing. Allele origin: germline. Observed: 2 variant alleles.
Comment: PM2

CeGaT Center for Human Genetics Tuebingen
Classification: Uncertain significance. Last evaluated: 2022-08-01. Review status: criteria provided, single submitter. Criteria: CeGaT Center For Human Genetics Tuebingen Variant Classification Criteria Version 2. Collection method: clinical testing. Allele origin: germline. Affected: yes. Observed: 1 variant allele.

Diagnostics Centre, Carl Von Ossietzky University Oldenburg
Classification: Uncertain significance. Last evaluated: 2026-03-24. Review status: no assertion criteria provided. Collection method: clinical testing. Allele origin: germline. Affected: yes. Observed: 1 variant allele. Not counted in ClinVar's aggregate classification.

NM_006735.4(HOXA2):c.806C>T (p.Ser269Phe)

Gene: HOXA2 (homeobox A2; minus strand). Cytogenetic location: 7p15.2.
Variant type: single nucleotide variant.
Coding change: c.806C>T on transcript NM_006735.4 (MANE Select); coding-DNA position 806, C replaced by T.
Protein change: p.Ser269Phe; replaces serine 269 with phenylalanine.
Molecular consequence: missense variant.
Genome position (GRCh38, 1-based): chr7:27,101,051, G>A on the plus strand (C>T on the coding strand, the complement: HOXA2 is on the minus strand). VCF-style: chr7-27101051-G-A. GRCh37 (hg19) VCF-style: chr7-27140670-G-A.
Other names: p.Ser269Phe; c.806C>T (NM_006735.3); short protein forms S269F.
Identifiers: ClinVar variation 2657360 (VCV002657360.27), dbSNP rs150696747, ClinGen allele CA4196132.